The following is an entry in ClinVar:

NM_000152.5(GAA):c.1852T>G (p.Trp618Gly)

Gene: GAA (alpha glucosidase; plus strand). Cytogenetic location: 17q25.3.
Variant type: single nucleotide variant.
Coding change: c.1852T>G on transcript NM_000152.5 (MANE Select); coding-DNA position 1852, T replaced by G.
Protein change: p.Trp618Gly; replaces tryptophan 618 with glycine.
Molecular consequence: missense variant.
Genome position (GRCh38, 1-based): chr17:80,112,675, T>G. VCF-style: chr17-80112675-T-G. GRCh37 (hg19) VCF-style: chr17-78086474-T-G.
Other names: c.1852T>G, p.Trp618Gly (NM_001079803.3, NM_001079804.3, NM_001406741.1 and 1 more transcripts); short protein forms W618G.
Identifiers: ClinVar variation 4844374 (VCV004844374.1).
Genomic context (GRCh38, chr17:80,112,675, plus strand): 5'-ATCTCCCGCTCGACCTTTGCTGGCCACGGCCGATACGCCGGCCACTGGACGGGGGACGTG[T>G]GGAGCTCCTGGGAGCAGCTCGCCTCCTCCGTGCCAGGTGAGCTCCTACCAGGAGGGGCTG-3'
Protein context (NP_000143.2, residues 608-628): RYAGHWTGDV[Trp618Gly]SSWEQLASSV

ClinVar aggregate classification (germline): Uncertain significance (1 of 4 stars; one submission).

Conditions:
Cardiovascular phenotype. Identifiers: MedGen CN230736.

gnomAD v4.1: 1 of 1,611,562 alleles (0.000062%); highest among the groups gnomAD compares: Non-Finnish European, 0.000085%; no homozygotes.

Submission:

Ambry Genetics
Classification: Uncertain significance for Cardiovascular phenotype. Last evaluated: 2026-02-13. Review status: criteria provided, single submitter. Criteria: Ambry Variant Classification Scheme 2023. Collection method: clinical testing. Allele origin: germline.
Comment: The p.W618G variant (also known as c.1852T>G), located in coding exon 12 of the GAA gene, results from a T to G substitution at nucleotide position 1852. The tryptophan at codon 618 is replaced by glycine, an amino acid with highly dissimilar properties. This amino acid position is conserved. In addition, this alteration is predicted to be tolerated by in silico analysis. Based on the available evidence, the clinical significance of this variant remains unclear.